The following is an entry in ClinVar:

ClinVar aggregate classification (germline): Uncertain significance (1 of 4 stars; one submission).

Conditions:
Fanconi anemia (FA). Also called: Fanconi's anemia. Identifiers: Orphanet 84, MedGen C0015625, MeSH D005199, MONDO:0019391.

Allele frequency attached by ClinVar (database versions not stated): TOPMed 0.00001.
gnomAD v4.1: 1 of 1,614,084 alleles (0.000062%); no homozygotes.

Submission:

Labcorp Genetics (formerly Invitae), Labcorp
Classification: Uncertain significance for Fanconi anemia. Last evaluated: 2021-08-10. Review status: criteria provided, single submitter. Criteria: Invitae Variant Classification Sherloc (09022015). Collection method: clinical testing. Allele origin: germline.
Comment: This sequence change replaces glutamic acid with alanine at codon 1411 of the FANCD2 protein (p.Glu1411Ala). The glutamic acid residue is weakly conserved and there is a moderate physicochemical difference between glutamic acid and alanine. This variant is not present in population databases (ExAC no frequency). This variant has not been reported in the literature in individuals affected with FANCD2-related conditions. Algorithms developed to predict the effect of missense changes on protein structure and function (SIFT, PolyPhen-2, Align-GVGD) all suggest that this variant is likely to be tolerated. In summary, the available evidence is currently insufficient to determine the role of this variant in disease. Therefore, it has been classified as a Variant of Uncertain Significance.

NM_001018115.3(FANCD2):c.4232A>C (p.Glu1411Ala)

Genes: FANCD2 (FA complementation group D2; plus strand), FANCD2OS (FANCD2 opposite strand; minus strand). Cytogenetic location: 3p25.3.
Variant type: single nucleotide variant.
Coding change: c.4232A>C on transcript NM_001018115.3 (MANE Select); coding-DNA position 4232, A replaced by C.
Protein change: p.Glu1411Ala; replaces glutamic acid 1411 with alanine.
Molecular consequence: missense variant. On other transcripts: intron variant (1).
Genome position (GRCh38, 1-based): chr3:10,098,766, A>C. VCF-style: chr3-10098766-A-C. GRCh37 (hg19) VCF-style: chr3-10140450-A-C.
Other names: c.4232A>C, p.Glu1411Ala (NM_001319984.2, NM_033084.6); c.4121A>C, p.Glu1374Ala (NM_001374253.1); c.4193A>C, p.Glu1398Ala (NM_001374254.1); c.*43+5432T>G (NM_173472.2); short protein forms E1374A, E1398A, E1411A.
Identifiers: ClinVar variation 1430844 (VCV001430844.4), dbSNP rs753252480, ClinGen allele CA70039627.